The following is an entry in ClinVar:

ClinVar aggregate classification (germline): Conflicting classifications of pathogenicity. Review status: criteria provided, conflicting classifications (1 of 4 stars). 4 submissions from 4 submitters: Uncertain significance (3); Benign (1). Last evaluated 2025-07-25.

Conditions:
Anophthalmia-microphthalmia syndrome. Also called: Anophthalmia - microphthalmia; Anophthalmia/Microphthalmia. Identifiers: Orphanet 98555, MedGen C5680330, MONDO:0020147.

Allele frequency attached by ClinVar (database versions not stated): gnomAD 0.00015 and 0.00014; TOPMed 0.00016; gnomAD exomes 0.00024 and 0.00012; ExAC 0.00009.
gnomAD v4.1: 369 of 1,614,034 alleles (0.023%); highest among the groups gnomAD compares: Non-Finnish European, 0.029%; no homozygotes.

Submissions (4):

Labcorp Genetics (formerly Invitae), Labcorp
Classification: Uncertain significance for Anophthalmia-microphthalmia syndrome. Last evaluated: 2025-07-25. Review status: criteria provided, single submitter. Criteria: Invitae Variant Classification Sherloc (09022015). Collection method: clinical testing. Allele origin: germline.
Comment: This sequence change replaces leucine, which is neutral and non-polar, with arginine, which is basic and polar, at codon 219 of the OTX2 protein (p.Leu219Arg). This variant is present in population databases (rs761733794, gnomAD 0.02%). This variant has not been reported in the literature in individuals affected with OTX2-related conditions. ClinVar contains an entry for this variant (Variation ID: 497433). An algorithm developed to predict the effect of missense changes on protein structure and function (PolyPhen-2) suggests that this variant is likely to be disruptive. In summary, the available evidence is currently insufficient to determine the role of this variant in disease. Therefore, it has been classified as a Variant of Uncertain Significance.

Blueprint Genetics
Classification: Benign. Last evaluated: 2024-11-15. Review status: criteria provided, single submitter. Criteria: ACMG Guidelines, 2015. Collection method: clinical testing. Allele origin: germline.

CeGaT Center for Human Genetics Tuebingen
Classification: Uncertain significance. Last evaluated: 2023-10-01. Review status: criteria provided, single submitter. Criteria: CeGaT Center For Human Genetics Tuebingen Variant Classification Criteria Version 2. Collection method: clinical testing. Allele origin: germline. Affected: yes. Observed: 1 variant allele.

Eurofins Ntd Llc (ga)
Classification: Uncertain significance. Last evaluated: 2016-10-04. Review status: criteria provided, single submitter. Criteria: EGL Classification Definitions 2015. Collection method: clinical testing. Allele origin: germline. Observed: 1 variant allele, 1 heterozygote.

NM_021728.4(OTX2):c.680T>G (p.Leu227Arg)

Gene: OTX2 (orthodenticle homeobox 2; minus strand). Cytogenetic location: 14q22.3.
Variant type: single nucleotide variant.
Coding change: c.680T>G on transcript NM_021728.4 (MANE Select); coding-DNA position 680, T replaced by G.
Protein change: p.Leu227Arg; replaces leucine 227 with arginine.
Molecular consequence: missense variant. On other transcripts: non-coding transcript variant (2).
Genome position (GRCh38, 1-based): chr14:56,801,949, A>C on the plus strand (T>G on the coding strand, the complement: OTX2 is on the minus strand). VCF-style: chr14-56801949-A-C. GRCh37 (hg19) VCF-style: chr14-57268667-A-C.
Other names: c.656T>G, p.Leu219Arg (NM_001270523.2, NM_001270524.2, NM_172337.3); c.680T>G, p.Leu227Arg (NM_001270525.2); short protein forms L219R, L227R.
Identifiers: ClinVar variation 497433 (VCV000497433.37), dbSNP rs761733794, ClinGen allele CA7200439.